The following is an entry in ClinVar:

ClinVar aggregate classification (germline): Uncertain significance (1 of 4 stars; one submission).

Submission:

GeneDx
Classification: Uncertain significance. Last evaluated: 2022-06-10. Review status: criteria provided, single submitter. Criteria: GeneDx Variant Classification Process June 2021. Collection method: clinical testing. Allele origin: germline. Affected: yes.
Comment: Frameshift variant predicted to result in protein truncation as the last 41 amino acids are replaced with 24 different amino acids, although loss-of-function variants have not been reported downstream of this position in the protein; Has not been previously published as pathogenic or benign to our knowledge; Not observed at significant frequency in large population cohorts (gnomAD)

NM_007327.4(GRIN1):c.2693_2694del (p.Lys898fs)

Gene: GRIN1 (glutamate ionotropic receptor NMDA type subunit 1; plus strand). Cytogenetic location: 9q34.3.
Variant type: Deletion.
Coding change: c.2693_2694del on transcript NM_007327.4 (MANE Select); coding-DNA positions 2693 to 2694, 2 bases deleted (AA; older notation c.2693_2694delAA).
Protein change: p.Lys898fs; shifts the reading frame from lysine 898.
Molecular consequence: frameshift variant. On other transcripts: intron variant (3).
Genome position (GRCh38, 1-based): chr9:137,165,289-137,165,290, AA deleted; deleting any 2 consecutive bases within chr9:137,165,288-137,165,290 gives the same sequence; the c. name uses the placement nearest the transcript's 3' end. VCF-style (leftmost placement, unchanged base first): chr9-137165287-CAA-C. GRCh37 (hg19) VCF-style: chr9-140059739-CAA-C.
Other names: c.2756_2757del, p.Lys919fs (NM_001185090.2); c.2652+1385_2652+1386del (NM_001185091.2); c.2589+1385_2589+1386del (NM_021569.4, NM_000832.7); short protein forms K898fs, K919fs.
Identifiers: ClinVar variation 1804486 (VCV001804486.1), dbSNP rs2538658423, ClinGen allele CA2580080946.
Genomic context (GRCh38, chr9:137,165,287, plus strand): 5'-AGCCACATTTAGGGCTATCACCTCCACCCTGGCTTCCAGCTTCAAGAGGCGTAGGTCCTC[CAA>C]AGACACGGTAAGGGGGAGAGCACCCCAGTCCCGCGTCCGACTCCACCTGCCCTGCCCTGC-3'